The following is an entry in ClinVar:

ClinVar aggregate classification (germline): Benign/Likely benign. Review status: criteria provided, multiple submitters, no conflicts (2 of 4 stars). 5 submissions from 5 submitters: Benign (2); Likely benign (3). Last evaluated 2026-05-11.

Allele frequency attached by ClinVar (database versions not stated): gnomAD exomes 0.00031 and 0.00088; ExAC 0.00121; gnomAD 0.00370 and 0.00388; TOPMed 0.00383; ESP Exome Variant Server 0.00384; 1000 Genomes Project 0.00399; 1000 Genomes Project 30x 0.00422.
gnomAD v4.1: 1,041 of 1,613,290 alleles (0.065%); highest among the groups gnomAD compares: African/African-American, 1.3%; 10 homozygotes.

Submissions (5):

Women's Health and Genetics/Laboratory Corporation of America, LabCorp
Classification: Likely benign. Last evaluated: 2026-05-11. Review status: criteria provided, single submitter. Criteria: LabCorp Variant Classification Summary - May 2015. Collection method: clinical testing. Allele origin: germline.

Labcorp Genetics (formerly Invitae), Labcorp
Classification: Benign. Last evaluated: 2026-01-26. Review status: criteria provided, single submitter. Criteria: Invitae Variant Classification Sherloc (09022015). Collection method: clinical testing. Allele origin: germline.

Blueprint Genetics
Classification: Likely benign. Last evaluated: 2024-11-13. Review status: criteria provided, single submitter. Criteria: ACMG Guidelines, 2015. Collection method: clinical testing. Allele origin: germline.

GeneDx
Classification: Likely benign. Last evaluated: 2017-11-03. Review status: criteria provided, single submitter. Criteria: GeneDx Variant Classification (06012015). Collection method: clinical testing. Allele origin: germline. Affected: yes.
Comment: This variant is considered likely benign or benign based on one or more of the following criteria: it is a conservative change, it occurs at a poorly conserved position in the protein, it is predicted to be benign by multiple in silico algorithms, and/or has population frequency not consistent with disease.

PreventionGenetics, part of Exact Sciences
Classification: Benign. Review status: criteria provided, single submitter. Criteria: ACMG Guidelines, 2015. Collection method: clinical testing. Allele origin: germline.

NM_001851.6(COL9A1):c.1197+11T>C

Gene: COL9A1 (collagen type IX alpha 1 chain; minus strand). Cytogenetic location: 6q13.
Variant type: single nucleotide variant.
Coding change: c.1197+11T>C on transcript NM_001851.6 (MANE Select); 11 bases into the intron after coding-DNA position 1197, T replaced by C.
Molecular consequence: intron variant.
Genome position (GRCh38, 1-based): chr6:70,270,303, A>G on the plus strand (T>C on the coding strand, the complement: COL9A1 is on the minus strand). VCF-style: chr6-70270303-A-G. GRCh37 (hg19) VCF-style: chr6-70980006-A-G.
Other names: c.468+11T>C (NM_001377290.1, NM_078485.4, NM_001377289.1).
Identifiers: ClinVar variation 258340 (VCV000258340.12), dbSNP rs73745357, ClinGen allele CA3882350.